The following is an entry in ClinVar:

ClinVar aggregate classification (germline): Uncertain significance. Review status: criteria provided, multiple submitters, no conflicts (2 of 4 stars). 2 submissions from 2 submitters: Uncertain significance (2). Last evaluated 2023-10-19.

Allele frequency attached by ClinVar (database versions not stated): gnomAD exomes 0.00001; TOPMed 0.00002; gnomAD 0.00003 and 0.00004; ESP Exome Variant Server 0.00009.
gnomAD v4.1: 14 of 1,208,221 alleles (0.0012%); highest among the groups gnomAD compares: African/African-American, 0.007%; no homozygotes.

Submissions (2):

Women's Health and Genetics/Laboratory Corporation of America, LabCorp
Classification: Uncertain significance. Last evaluated: 2023-10-19. Review status: criteria provided, single submitter. Criteria: LabCorp Variant Classification Summary - May 2015. Collection method: clinical testing. Allele origin: germline.
Comment: Variant summary: COL4A6 c.2659G>A (p.Ala887Thr) results in a non-conservative amino acid change in the encoded protein sequence. Four of five in-silico tools predict a benign effect of the variant on protein function. The variant allele was found at a frequency of 5.6e-06 in 178494 control chromosomes (gnomAD). The available data on variant occurrences in the general population are insufficient to allow any conclusion about variant significance. To our knowledge, no occurrence of c.2659G>A in individuals affected with Deafness, X-Linked 6 and no experimental evidence demonstrating its impact on protein function have been reported. One submitter has cited clinical-significance assessments for this variant to ClinVar after 2014 and has classified the variant as uncertain significance. Based on the evidence outlined above, the variant was classified as uncertain significance.

Labcorp Genetics (formerly Invitae), Labcorp
Classification: Uncertain significance. Last evaluated: 2022-09-13. Review status: criteria provided, single submitter. Criteria: Invitae Variant Classification Sherloc (09022015). Collection method: clinical testing. Allele origin: germline.
Comment: This sequence change replaces alanine, which is neutral and non-polar, with threonine, which is neutral and polar, at codon 887 of the COL4A6 protein (p.Ala887Thr). The frequency data for this variant in the population databases is considered unreliable, as metrics indicate poor data quality at this position in the gnomAD database. This variant has not been reported in the literature in individuals affected with COL4A6-related conditions. ClinVar contains an entry for this variant (Variation ID: 1369330). Advanced modeling of protein sequence and biophysical properties (such as structural, functional, and spatial information, amino acid conservation, physicochemical variation, residue mobility, and thermodynamic stability) performed at Invitae indicates that this missense variant is not expected to disrupt COL4A6 protein function. In summary, the available evidence is currently insufficient to determine the role of this variant in disease. Therefore, it has been classified as a Variant of Uncertain Significance.

NM_033641.4(COL4A6):c.2656G>A (p.Ala886Thr)

Gene: COL4A6 (collagen type IV alpha 6 chain; minus strand). Cytogenetic location: Xq22.3.
Variant type: single nucleotide variant.
Coding change: c.2656G>A on transcript NM_033641.4 (MANE Select); coding-DNA position 2656, G replaced by A.
Protein change: p.Ala886Thr; replaces alanine 886 with threonine.
Molecular consequence: missense variant.
Genome position (GRCh38, 1-based): chrX:108,176,871, C>T on the plus strand (G>A on the coding strand, the complement: COL4A6 is on the minus strand). VCF-style: chrX-108176871-C-T. GRCh37 (hg19) VCF-style: chrX-107420101-C-T.
Other names: c.2707G>A, p.Ala903Thr (NM_001287758.2); c.2656G>A, p.Ala886Thr (NM_001287759.2, NM_001287760.2); c.2659G>A, p.Ala887Thr (NM_001847.4); short protein forms A887T, A903T, A886T.
Identifiers: ClinVar variation 1369330 (VCV001369330.5), dbSNP rs138246637, ClinGen allele CA334044398.